The following is an entry in ClinVar:

ClinVar aggregate classification (germline): Uncertain significance (1 of 4 stars; one submission).

Conditions:
Dyskeratosis congenita, autosomal dominant 2. Identifiers: MedGen C3151443, MONDO:0013521, OMIM 613989.
Idiopathic Pulmonary Fibrosis. Also called: Idiopathic fibrosing alveolitis, chronic form; idiopathic fibrosing alveolitis. Identifiers: Orphanet 2032, MedGen C1800706, MeSH D054990, MONDO:0800504.

Submission:

Labcorp Genetics (formerly Invitae), Labcorp
Classification: Uncertain significance for Dyskeratosis congenita, autosomal dominant 2; Idiopathic Pulmonary Fibrosis. Last evaluated: 2025-06-06. Review status: criteria provided, single submitter. Criteria: Invitae Variant Classification Sherloc (09022015). Collection method: clinical testing. Allele origin: germline.
Comment: This sequence change replaces arginine, which is basic and polar, with proline, which is neutral and non-polar, at codon 315 of the TERT protein (p.Arg315Pro). This variant is not present in population databases (gnomAD no frequency). This variant has not been reported in the literature in individuals affected with TERT-related conditions. Invitae Evidence Modeling of protein sequence and biophysical properties (such as structural, functional, and spatial information, amino acid conservation, physicochemical variation, residue mobility, and thermodynamic stability) indicates that this missense variant is not expected to disrupt TERT protein function with a negative predictive value of 95%. In summary, the available evidence is currently insufficient to determine the role of this variant in disease. Therefore, it has been classified as a Variant of Uncertain Significance.

NM_198253.3(TERT):c.944G>C (p.Arg315Pro)

Gene: TERT (telomerase reverse transcriptase; minus strand). Cytogenetic location: 5p15.33.
Variant type: single nucleotide variant.
Coding change: c.944G>C on transcript NM_198253.3 (MANE Select); coding-DNA position 944, G replaced by C.
Protein change: p.Arg315Pro; replaces arginine 315 with proline.
Molecular consequence: missense variant. On other transcripts: non-coding transcript variant (2).
Genome position (GRCh38, 1-based): chr5:1,293,942, C>G on the plus strand (G>C on the coding strand, the complement: TERT is on the minus strand). VCF-style: chr5-1293942-C-G. GRCh37 (hg19) VCF-style: chr5-1294057-C-G.
Other names: c.944G>C, p.Arg315Pro (NM_001193376.3); short protein forms R315P.
Identifiers: ClinVar variation 4793469 (VCV004793469.1).
Genomic context (GRCh38, chr5:1,293,942, plus strand): 5'-GAGGAGTAGAGGAAGTGCTTGGTCTCGGCGTACACCGGGGGACAAGGCGTGTCCCAGGGA[C>G]GTGGTGGCCGCGATGTGGATGGGGGGCCCGCGTGGTGCTGGCGGCCCACGGATGGGTGGG-3'
Protein context (NP_937983.2, residues 305-325): AGPPSTSRPP[Arg315Pro]PWDTPCPPVY